The following continues an entry in ClinVar:

NM_000363.5(TNNI3):c.484C>T (p.Arg162Trp)

Gene: TNNI3. ClinVar aggregate classification (germline): Uncertain significance. Uncertain significance (1).

Submissions 16 to 22 of 24:

Laboratory for Molecular Medicine, Mass General Brigham Personalized Medicine
Classification: Likely pathogenic for Hypertrophic cardiomyopathy. Last evaluated: 2020-10-08. Review status: criteria provided, single submitter. Criteria: LMM Criteria. Collection method: clinical testing. Allele origin: germline. Inheritance: Autosomal dominant inheritance. Observed: 11 variant alleles. Not counted in ClinVar's aggregate classification.
Comment: The p.Arg162Trp variant in TNNI3 has been reported in the heterozygous state in >10 individuals with hypertrophic cardiomyopathy (HCM; Kimura 1997 PMID: 9241277; Garcia-Pavia 2011 PMID: 21896538; Kubo 2011 PMID: 21799269; Gomez 2017 PMID: 28356264; Walsh 2017 PMID: 27532257; LMM data). The variant has also been reported by other clinical laboratories in ClinVar (Variation ID: 161396) and was identified in 0.003% (3/113182) of European chromosomes and 0.02% (3/17978) of East Asian chromosomes by gnomAD. In vitro functional studies provide some evidence that the p.Arg162Trp variant may impact protein function (Elliott 2000 PMID: 10806205; Takahashi-Yanaga 2001 PMID: 11735257). Computational prediction tools and conservation analysis do not provide strong support for or against an impact to the protein. Moreover, two other variants have been identified at this position (p.Arg162Pro, p.Arg162Gln) and have been classified by this laboratory as likely pathogenic, suggesting changes at this position are not tolerated. The available data on the p.Arg162Gln suggests that it may be a mild variant, with reduced penetrance. In summary, the p.Arg162Trp variant is likely pathogenic; however, this variant may have a milder role suggested by the incomplete penetrance seen in some family members and the individuals who were homozygous, similar to that observed for p.Arg162Gln. ACMG/AMP Criteria applied: PS4_Moderate, PM2_Supporting, PM5_Supporting, PP1, PS3_Supporting.

Human Genome Sequencing Center Clinical Lab, Baylor College of Medicine
Classification: Likely pathogenic for hypertrophic cardiomyopathy. Last evaluated: 2020-06-17. Review status: criteria provided, single submitter. Criteria: ACMG Guidelines, 2015. Collection method: clinical testing. Allele origin: unknown. Not counted in ClinVar's aggregate classification.
Comment: The c.484C>T (p.Arg162Trp) variant in the TNNI3 gene is located on the exon 7 and is predicted to replace arginine with tryptophan at codon 162 (p.Arg162Trp). The variant has been reported in more than 10 unrelated individuals affected with hypertrophic cardiomyopathy (PMID: 30105547, 32830170, 21799269, 9241277, 21896538, 28356264, 22429680, 27532257, 23270746). Alternative variants disrupting the same amino acid (p.Arg162Gln, p.Arg162Pro) have been interpreted as likely pathogenic or pathogenic in ClinVar (ID: 43389, 43390). In vitro experimental studies show evidence for a negative functional impact of the p.Arg162Trp variant (PMID: 10806205, 11735257). This variant is rare in the general population according to gnomAD (10/249000). Therefore, the c.484C>T (p.Arg162Trp) variant of TNNI3 has been classified as likely pathogenic.

Broad Center for Mendelian Genomics, Broad Institute of MIT and Harvard
Classification: Likely pathogenic for Hypertrophic cardiomyopathy 7. Last evaluated: 2018-12-03. Review status: criteria provided, single submitter. Criteria: ACMG Guidelines, 2015. Collection method: research. Allele origin: germline. Inheritance: Autosomal dominant inheritance. Affected: yes. Not counted in ClinVar's aggregate classification.
Comment: This variant has been identified in 0.004071% (10/245660) of chromosomes by the Genome Aggregation Database (gnomAD; dbSNP rs368861241). Please note that for diseases like hypertrophic cardiomyopathy with clinical variability, or reduced penetrance, pathogenic variants may be present at a low frequency in the general population. This variant has been reported likely pathogenic or pathogenic in ClinVar (Variation ID: 161396). Two additional missense variants that affect the Arginine (Arg) at position 162 have been reported likely pathogenic or pathogenic in ClinVar, suggesting that a change in this position would not be tolerated (Variation ID: 43390, 43389). The p.Arg162Trp variant in TNNI3 has been reported in 12 individuals (6 Middle Eastern, 6 unknown) and segregated with disease in the homozygous state in 4 affected relatives from 2 families. The 6 clinically unaffected individuals from these 2 families were heterozygous for the variant, though this disease is known to have clinical variability (PMID: 24113344, 23270746). Four additional, unrelated individuals with this variant and hypertrophic cardiomyopathy have been reported in the literature (PMID: 22429680, 21799269). Computational prediction tools and conservation analyses suggest that this variant may impact the protein, though this information is not predictive enough to determine pathogenicity. In vitro functional studies provide some evidence that the p.Arg162Trp variant may impact protein function by reducing inhibition of actin-tropomyosin-activated myosin ATPase and increased calcium sensitivity in enzyme activity regulation (PMID: 11735257, 10806205). However, these types of assays may not accurately represent biological function. In summary, although additional studies are required to fully establish its clinical significance, this variant is likely pathogenic. ACMG/AMP Criteria applied: PP1, PP3, PM2, PM5, PS3_Supporting (Richards 2015).

Women's Health and Genetics/Laboratory Corporation of America, LabCorp
Classification: Likely pathogenic for Cardiovascular phenotype. Last evaluated: 2018-07-27. Review status: criteria provided, single submitter. Criteria: LabCorp Variant Classification Summary - May 2015. Collection method: clinical testing. Allele origin: germline. Not counted in ClinVar's aggregate classification.
Comment: Variant summary: TNNI3 c.484C>T (p.Arg162Trp) results in a non-conservative amino acid change in the encoded protein sequence. Five of five in-silico tools predict a damaging effect of the variant on protein function and a different missense mutation at this same residue (p.Arg162Gln) has been internally classified as Likely Pathogenic, suggesting that changes at Arg162 are not tolerated. Additionally, several functional studies indicate that this variant reduces the apparent affinity of cTnI for actin without changing the intrinsic inhibitory activity, and induces a definite increase in the Ca2+- sensitivitiy of myofibrillar ATPase activity and force generation in skinned muscle fibers. It has been suggested that the decreased inhibition and increased calcium sensitivity may cause HCM via impaired relaxation rather than the impaired contraction seen with some other classes of HCM mutants (Elliott_2000). The variant allele was found at a frequency of 4e-05 in 247390 control chromosomes. Several reported HCM patients in the literature (Kimura_1997, Garcia-Pavia_ 2011, Wang_2014, etc), and two individuals reported by LMM laboratory, were all heterozygous for the variant of interest, which is consistent with dominant inheritance. However, the variant has also been reported in two non-Caucasian families (one Indian and one Jordanian reported by LMM) and one Middle Eastern family (Gray_TNNI3_Int J Cardiol_2013) with 5 affected individuals being homozygous from the 3 families and none of the heterozygous family members being affected. This may suggest that c.484C>T is either a mild variant with reduced penetrance, and/or co-dominant effect is required to develop clinical features; recessive mode of inheritance cannot be completely ruled out. Three clinical diagnostic laboratories have submitted clinical-significance assessments for this variant to ClinVar after 2014 without evidence for independent evaluation. All laboratories classified the variant as pathogenic/likely pathogenic. Based on the evidence outlined above, the variant was classified as likely pathogenic.

Human Genome Sequencing Center Clinical Lab, Baylor College of Medicine
Classification: Pathogenic for Hypertrophic cardiomyopathy 7. Last evaluated: 2018-01-30. Review status: criteria provided, single submitter. Criteria: ACMG Guidelines, 2015. Collection method: clinical testing. Allele origin: germline. Not counted in ClinVar's aggregate classification.
Comment: This c.484C>T (p.Arg162Trp) variant in the TNNI3 gene has been reported in multiple HCM patients with significantly higher prevalence [PMID: 9241277,21799269,21896538,22429680] than that observed as extremely low in general population according to gnomad database. Arginine at amino acid position 162 is highly conserved during evolution. Other amino acid changes at this or nearby positions have been reported in HCM patients as deleterious mutations [PMID: 27385602, 12860912, 21310275, 25611685, 27532257]. Functional studies showed that this mutant causes increased calcium sensitivity of cardiac muscle contraction and other alterations [PMID: 11735257, 10806205]. Homozygotes of this variant have been observed in two affected siblings with HCM while heterozygous carriers in this family are all normal. Multiple in silico predictions suggest this arginine to histidine change is deleterious. Based upon above evidences, this c.484C>T (p.Arg162Trp) variant in the TNNI3 gene is classified as pathogenic.

Juno Genomics, Hangzhou Juno Genomics, Inc
Classification: Likely pathogenic for Hypertrophic cardiomyopathy 7. Review status: criteria provided, single submitter. Criteria: ACMG Guidelines, 2015. Collection method: clinical testing. Allele origin: germline. Not counted in ClinVar's aggregate classification.
Comment: Absent from controls (or at extremely low frequency if recessive) in Genome Aggregation Database.;The prevalence of the variant in affected individuals is significantly increased compared to the prevalence in controls.;Well-established in vitro or in vivo functional studies supportive of a damaging effect on the gene or gene product.;Located in a mutational hot spot and/or critical and well-established functional domain without benign variation.

Clinical Laboratory Sciences Program (CLSP), King Saud bin Abdulaziz University for Health Sciences (KSAU-HS)
Classification: Pathogenic for Hypertrophic cardiomyopathy 7. Last evaluated: 2023-04-01. Review status: no assertion criteria provided. Collection method: clinical testing. Allele origin: germline. Affected: yes. Not counted in ClinVar's aggregate classification.